The following is an entry in ClinVar:

ClinVar aggregate classification (germline): Uncertain significance (1 of 4 stars; one submission).

Submission:

Labcorp Genetics (formerly Invitae), Labcorp
Classification: Uncertain significance. Last evaluated: 2022-04-08. Review status: criteria provided, single submitter. Criteria: Invitae Variant Classification Sherloc (09022015). Collection method: clinical testing. Allele origin: germline.
Comment: This sequence change replaces proline, which is neutral and non-polar, with threonine, which is neutral and polar, at codon 864 of the CTNNA1 protein (p.Pro864Thr). This variant is not present in population databases (gnomAD no frequency). This variant has not been reported in the literature in individuals affected with CTNNA1-related conditions. Algorithms developed to predict the effect of missense changes on protein structure and function are either unavailable or do not agree on the potential impact of this missense change (SIFT: "Deleterious"; PolyPhen-2: "Probably Damaging"; Align-GVGD: "Class C0"). In summary, the available evidence is currently insufficient to determine the role of this variant in disease. Therefore, it has been classified as a Variant of Uncertain Significance.

NM_001903.5(CTNNA1):c.2590C>A (p.Pro864Thr)

Gene: CTNNA1 (catenin alpha 1; plus strand). Cytogenetic location: 5q31.2.
Variant type: single nucleotide variant.
Coding change: c.2590C>A on transcript NM_001903.5 (MANE Select); coding-DNA position 2590, C replaced by A.
Protein change: p.Pro864Thr; replaces proline 864 with threonine.
Molecular consequence: missense variant. On other transcripts: 3 prime UTR variant (5).
Genome position (GRCh38, 1-based): chr5:138,933,958, C>A. VCF-style: chr5-138933958-C-A. GRCh37 (hg19) VCF-style: chr5-138269647-C-A.
Other names: c.*135C>A (NM_001290307.3, NM_001324002.1, NM_001324003.1 and 2 more transcripts); c.2281C>A, p.Pro761Thr (NM_001290309.3); c.2221C>A, p.Pro741Thr (NM_001290310.3); c.1480C>A, p.Pro494Thr (NM_001290312.1, NM_001323987.1, NM_001323988.1 and 12 more transcripts); c.2590C>A, p.Pro864Thr (NM_001323982.2, NM_001323983.1, NM_001323984.2); c.2563C>A, p.Pro855Thr (NM_001323985.2); c.2497C>A, p.Pro833Thr (NM_001323986.2); c.1141C>A, p.Pro381Thr (NM_001324006.1, NM_001324007.1, NM_001324008.1 and 2 more transcripts); and 3 more; short protein forms P381T, P833T, P413T, P761T, P494T, P741T, P864T, P449T.
Identifiers: ClinVar variation 2123096 (VCV002123096.4), dbSNP rs2533953361, ClinGen allele CA361135548.
Genomic context (GRCh38, chr5:138,933,958, plus strand): 5'-CAAAAGTCACAGGGTATGGCTTCCCTCAACCTTCCTGCTGTGTCATGGAAGATGAAGGCA[C>A]CAGAGAAAAAGCCATTGGTGAAGAGAGAGAAACAGGATGAGACACAGACCAAGATTAAAC-3'
Protein context (NP_001894.2, residues 854-874): LPAVSWKMKA[Pro864Thr]EKKPLVKREK